The following is an entry in ClinVar:

NM_001035.3(RYR2):c.9308C>T (p.Pro3103Leu)

Gene: RYR2 (ryanodine receptor 2; plus strand). Cytogenetic location: 1q43.
Variant type: single nucleotide variant.
Coding change: c.9308C>T on transcript NM_001035.3 (MANE Select); coding-DNA position 9308, C replaced by T.
Protein change: p.Pro3103Leu; replaces proline 3103 with leucine.
Molecular consequence: missense variant.
Genome position (GRCh38, 1-based): chr1:237,700,408, C>T. VCF-style: chr1-237700408-C-T. GRCh37 (hg19) VCF-style: chr1-237863708-C-T.
Other names: short protein forms P3103L.
Identifiers: ClinVar variation 1490707 (VCV001490707.10), dbSNP rs1208496897, ClinGen allele CA345406139.

ClinVar aggregate classification (germline): Uncertain significance. Review status: criteria provided, multiple submitters, no conflicts (2 of 4 stars). 4 submissions from 4 submitters: Uncertain significance (4). Last evaluated 2025-07-18.

Conditions:
Cardiovascular phenotype. Identifiers: MedGen CN230736.
Cardiomyopathy (CMYO). Also called: Cardiomyopathies. Identifiers: Orphanet 167848, MedGen C0878544, MONDO:0004994, HP:0001638. Inheritance: Various modes of inheritance.
Catecholaminergic polymorphic ventricular tachycardia 1. Also called: VENTRICULAR TACHYCARDIA, CATECHOLAMINERGIC POLYMORPHIC, 1, WITH OR WITHOUT ATRIAL DYSFUNCTION AND/OR DILATED CARDIOMYOPATHY; VENTRICULAR TACHYCARDIA, STRESS-INDUCED POLYMORPHIC 1; RYR2-Related Catecholaminergic Polymorphic Ventricular Tachycardia. Identifiers: Orphanet 3286, MedGen C1631597, MONDO:0011484, OMIM 604772.

Allele frequency attached by ClinVar (database versions not stated): gnomAD exomes below 0.00001; TOPMed 0.00001.
gnomAD v4.1: 4 of 1,609,764 alleles (0.00025%); highest among the groups gnomAD compares: African/African-American, 0.0013%; no homozygotes.

Submissions (4):

Color Diagnostics, LLC DBA Color Health
Classification: Uncertain significance for Cardiomyopathy. Last evaluated: 2025-07-18. Review status: criteria provided, single submitter. Criteria: ACMG Guidelines, 2015. Collection method: clinical testing. Allele origin: germline.
Comment: This missense variant replaces proline with leucine at codon 3103 of the RYR2 protein. Computational prediction is inconclusive regarding the impact of this variant on protein structure and function. To our knowledge, functional studies have not been reported for this variant. This variant has not been reported in individuals affected with RYR2-related disorders in the literature. This variant has been identified in 2/274976 chromosomes in the general population by the Genome Aggregation Database (gnomAD). The available evidence is insufficient to determine the role of this variant in disease conclusively. Therefore, this variant is classified as a Variant of Uncertain Significance.

Labcorp Genetics (formerly Invitae), Labcorp
Classification: Uncertain significance for Catecholaminergic polymorphic ventricular tachycardia 1. Last evaluated: 2024-07-24. Review status: criteria provided, single submitter. Criteria: Invitae Variant Classification Sherloc (09022015). Collection method: clinical testing. Allele origin: germline.
Comment: This sequence change replaces proline, which is neutral and non-polar, with leucine, which is neutral and non-polar, at codon 3103 of the RYR2 protein (p.Pro3103Leu). This variant is present in population databases (no rsID available, gnomAD 0.0008%). This variant has not been reported in the literature in individuals affected with RYR2-related conditions. ClinVar contains an entry for this variant (Variation ID: 1490707). Advanced modeling of protein sequence and biophysical properties (such as structural, functional, and spatial information, amino acid conservation, physicochemical variation, residue mobility, and thermodynamic stability) has been performed at Invitae for this missense variant, however the output from this modeling did not meet the statistical confidence thresholds required to predict the impact of this variant on RYR2 protein function. In summary, the available evidence is currently insufficient to determine the role of this variant in disease. Therefore, it has been classified as a Variant of Uncertain Significance.

GeneDx
Classification: Uncertain significance. Last evaluated: 2024-03-01. Review status: criteria provided, single submitter. Criteria: GeneDx Variant Classification Process June 2021. Collection method: clinical testing. Allele origin: germline. Affected: yes.
Comment: Not observed at significant frequency in large population cohorts (gnomAD); In silico analysis supports that this missense variant has a deleterious effect on protein structure/function; Not located in one of the three hot-spot regions of the RYR2 gene, where the majority of pathogenic missense variants occur (PMID: 19926015); Has not been previously published as pathogenic or benign to our knowledge; This variant is associated with the following publications: (PMID: 19926015)

Ambry Genetics
Classification: Uncertain significance for Cardiovascular phenotype. Last evaluated: 2020-06-12. Review status: criteria provided, single submitter. Criteria: Ambry Variant Classification Scheme 2023. Collection method: clinical testing. Allele origin: germline.
Comment: The p.P3103L variant (also known as c.9308C>T), located in coding exon 65 of the RYR2 gene, results from a C to T substitution at nucleotide position 9308. The proline at codon 3103 is replaced by leucine, an amino acid with similar properties. This amino acid position is highly conserved in available vertebrate species. In addition, this alteration is predicted to be deleterious by in silico analysis. Since supporting evidence is limited at this time, the clinical significance of this alteration remains unclear.